The following is an entry in ClinVar:

ClinVar aggregate classification (germline): Likely benign (1 of 4 stars; one submission).

gnomAD v4.1: 40 of 1,611,400 alleles (0.0025%); highest among the groups gnomAD compares: Admixed American, 0.022%; no homozygotes.

Submission:

CeGaT Center for Human Genetics Tuebingen
Classification: Likely benign. Last evaluated: 2025-09-01. Review status: criteria provided, single submitter. Criteria: CeGaT Center For Human Genetics Tuebingen Variant Classification Criteria Version 2. Collection method: clinical testing. Allele origin: germline. Affected: yes. Observed: 1 variant allele.
Comment: RIPK4: BP4, BP7

NM_020639.3(RIPK4):c.2310C>T (p.Gly770=)

Gene: RIPK4 (receptor interacting serine/threonine kinase 4; minus strand). Cytogenetic location: 21q22.3.
Variant type: single nucleotide variant.
Coding change: c.2310C>T on transcript NM_020639.3 (MANE Select); coding-DNA position 2310, C replaced by T.
Protein change: p.Gly770=; no amino-acid change (glycine 770 retained).
Molecular consequence: synonymous variant.
Genome position (GRCh38, 1-based): chr21:41,740,883, G>A on the plus strand (C>T on the coding strand, the complement: RIPK4 is on the minus strand). VCF-style: chr21-41740883-G-A. GRCh37 (hg19) VCF-style: chr21-43161043-G-A.
Identifiers: ClinVar variation 4280997 (VCV004280997.7).